The following is an entry in ClinVar:

ClinVar aggregate classification (germline): Benign/Likely benign. Review status: criteria provided, multiple submitters, no conflicts (2 of 4 stars). 5 submissions from 5 submitters: Benign (1); Likely benign (3). 1 of the submissions does not count toward it. Last evaluated 2025-02-11.

Conditions:
P3H1-related disorder. Also called: P3H1-related condition.
Osteogenesis imperfecta type 8 (OI8). Identifiers: MedGen C1970458, MONDO:0012581, OMIM 610915.

Allele frequency attached by ClinVar (database versions not stated): gnomAD exomes 0.00081 and 0.00203; ExAC 0.00239; 1000 Genomes Project 0.00779; gnomAD 0.00802 and 0.00864; 1000 Genomes Project 30x 0.00812; TOPMed 0.00940; ESP Exome Variant Server 0.00961.
gnomAD v4.1: 2,450 of 1,614,176 alleles (0.15%); highest among the groups gnomAD compares: African/African-American, 2.8%; 37 homozygotes.

Submissions (5):

ARUP Laboratories, Molecular Genetics and Genomics, ARUP Laboratories
Classification: Benign for Osteogenesis imperfecta type 8. Last evaluated: 2025-02-11. Review status: criteria provided, single submitter. Criteria: ARUP Molecular Germline Variant Investigation Process 2024. Collection method: clinical testing. Allele origin: germline.

Genome-Nilou Lab
Classification: Likely benign for Osteogenesis imperfecta type 8. Last evaluated: 2023-04-11. Review status: criteria provided, single submitter. Criteria: ACMG Guidelines, 2015. Collection method: clinical testing. Allele origin: germline. Affected: no.

GeneDx
Classification: Likely benign. Last evaluated: 2018-08-14. Review status: criteria provided, single submitter. Criteria: GeneDx Variant Classification Process June 2021. Collection method: clinical testing. Allele origin: germline. Affected: yes.

Breakthrough Genomics
Classification: Likely benign. Review status: criteria provided, single submitter. Criteria: ACMG Guidelines, 2015. Collection method: not provided. Allele origin: germline. Inheritance: Autosomal recessive inheritance. Affected: yes.

PreventionGenetics, part of Exact Sciences
Classification: Benign for P3H1-related condition. Last evaluated: 2019-09-23. Review status: no assertion criteria provided. Collection method: clinical testing. Allele origin: germline. Not counted in ClinVar's aggregate classification.
Comment: This variant is classified as benign based on ACMG/AMP sequence variant interpretation guidelines (Richards et al. 2015 PMID: 25741868, with internal and published modifications).

NM_022356.4(P3H1):c.2055+70G>T

Gene: P3H1 (prolyl 3-hydroxylase 1; minus strand). Cytogenetic location: 1p34.2.
Variant type: single nucleotide variant.
Coding change: c.2055+70G>T on transcript NM_022356.4 (MANE Select); 70 bases into the intron after coding-DNA position 2055, G replaced by T.
Molecular consequence: intron variant. On other transcripts: missense variant (1).
Genome position (GRCh38, 1-based): chr1:42,747,202, C>A on the plus strand (G>T on the coding strand, the complement: P3H1 is on the minus strand). VCF-style: chr1-42747202-C-A. GRCh37 (hg19) VCF-style: chr1-43212873-C-A.
Other names: c.2125G>T, p.Ala709Ser (NM_001243246.2); c.2074+51G>T (NM_001146289.2); c.2125G>T (NM_001243246.1); short protein forms A709S.
Identifiers: ClinVar variation 440016 (VCV000440016.20), dbSNP rs115690038, ClinGen allele CA801586.
Genomic context (GRCh38, chr1:42,747,202, plus strand): 5'-TGTCCCAAGTGCTCCTTTCGTGTCTCAGCCACTGGCAATGGGATTTGGGGAAGAGAAAGG[C>A]AAACCAAGGGCGCTCTGGGAACGGGTCACCACAGCACCAGCTGCTCTCACCCGCTCGAGC-3'